The following is an entry in ClinVar:

NM_007194.4(CHEK2):c.729del (p.Thr242_Cys243insTer)

Gene: CHEK2 (checkpoint kinase 2; minus strand). Cytogenetic location: 22q12.1.
Variant type: Deletion.
Coding change: c.729del on transcript NM_007194.4 (MANE Select); coding-DNA position 729, one base deleted (T; older notation c.729delT).
Protein change: p.Thr242_Cys243insTer.
Molecular consequence: nonsense.
Genome position (GRCh38, 1-based): chr22:28,711,972, A deleted on the plus strand (T on the coding strand, the reverse complement: CHEK2 is on the minus strand). VCF-style (leftmost placement, unchanged base first): chr22-28711971-TA-T. GRCh37 (hg19) VCF-style: chr22-29107959-TA-T.
Other names: c.66del, p.Thr21_Cys22insTer (NM_001437942.1, NM_001257387.3); c.822del, p.Thr273_Cys274insTer (NM_001438293.1, NM_001438295.1); c.858del, p.Thr285_Cys286insTer (NM_001438294.1, NM_001005735.3); c.729del, p.Thr242_Cys243insTer (NM_145862.3); c.528del, p.Thr175_Cys176insTer (NM_001349956.3).
Identifiers: ClinVar variation 4227994 (VCV004227994.1).

ClinVar aggregate classification (germline): Pathogenic (1 of 4 stars; one submission).

Conditions:
Hereditary cancer-predisposing syndrome. Also called: Hereditary Cancer Syndrome; Hereditary neoplastic syndrome; Neoplastic Syndromes, Hereditary; Tumor predisposition. Identifiers: Orphanet 140162, MedGen C0027672, MeSH D009386, MONDO:0015356.

Submission:

Ambry Genetics
Classification: Pathogenic for Hereditary cancer-predisposing syndrome. Last evaluated: 2025-06-24. Review status: criteria provided, single submitter. Criteria: Ambry Variant Classification Scheme 2023. Collection method: clinical testing. Allele origin: germline.
Comment: The c.729delT pathogenic mutation, located in coding exon 5 of the CHEK2 gene, results from a deletion of one nucleotide at nucleotide position 729, causing a translational frameshift with a predicted alternate stop codon (p.C243*). This variant is considered to be rare based on population cohorts in the Genome Aggregation Database (gnomAD). This alteration is expected to result in loss of function by premature protein truncation or nonsense-mediated mRNA decay. As such, this alteration is interpreted as a disease-causing mutation.